The following is an entry in ClinVar:

NM_017617.5(NOTCH1):c.6350A>C (p.Asn2117Thr)

Gene: NOTCH1 (notch receptor 1; minus strand). Cytogenetic location: 9q34.3.
Variant type: single nucleotide variant.
Coding change: c.6350A>C on transcript NM_017617.5 (MANE Select); coding-DNA position 6350, A replaced by C.
Protein change: p.Asn2117Thr; replaces asparagine 2117 with threonine.
Molecular consequence: missense variant.
Genome position (GRCh38, 1-based): chr9:136,497,389, T>G on the plus strand (A>C on the coding strand, the complement: NOTCH1 is on the minus strand). VCF-style: chr9-136497389-T-G. GRCh37 (hg19) VCF-style: chr9-139391841-T-G.
Other names: c.6350A>C (NM_017617.3); short protein forms N2117T.
Identifiers: ClinVar variation 1371940 (VCV001371940.7), dbSNP rs765820020, ClinGen allele CA5339928.

ClinVar aggregate classification (germline): Conflicting classifications of pathogenicity. Review status: criteria provided, conflicting classifications (1 of 4 stars). 2 submissions from 2 submitters: Uncertain significance (1); Likely benign (1). Last evaluated 2023-02-28.

Conditions:
Adams-Oliver syndrome 5 (AOS5). Identifiers: Orphanet 974, MedGen C4014970, MONDO:0014459, OMIM 616028.
Familial thoracic aortic aneurysm and aortic dissection (TAAD). Also called: Thoracic aortic aneurysms and dissections. Identifiers: Orphanet 91387, MedGen C4707243, MONDO:0019625.

Allele frequency attached by ClinVar (database versions not stated): TOPMed below 0.00001; ExAC 0.00001; gnomAD 0.00001; gnomAD exomes 0.00001.

Submissions (2):

Ambry Genetics
Classification: Uncertain significance for Familial thoracic aortic aneurysm and aortic dissection. Last evaluated: 2023-02-28. Review status: criteria provided, single submitter. Criteria: Ambry Variant Classification Scheme 2023. Collection method: clinical testing. Allele origin: germline.
Comment: The p.N2117T variant (also known as c.6350A>C), located in coding exon 34 of the NOTCH1 gene, results from an A to C substitution at nucleotide position 6350. The asparagine at codon 2117 is replaced by threonine, an amino acid with similar properties. This amino acid position is conserved. In addition, this alteration is predicted to be tolerated by in silico analysis. Since supporting evidence is limited at this time, the clinical significance of this alteration remains unclear.

Labcorp Genetics (formerly Invitae), Labcorp
Classification: Likely benign for Adams-Oliver syndrome 5. Last evaluated: 2022-08-23. Review status: criteria provided, single submitter. Criteria: Invitae Variant Classification Sherloc (09022015). Collection method: clinical testing. Allele origin: germline.